The following is an entry in ClinVar:

ClinVar aggregate classification (germline): Likely benign (1 of 4 stars; one submission).

gnomAD v4.1: 3 of 1,611,768 alleles (0.00019%); highest among the groups gnomAD compares: Non-Finnish European, 0.00025%; no homozygotes.

Submission:

CeGaT Center for Human Genetics Tuebingen
Classification: Likely benign. Last evaluated: 2025-08-01. Review status: criteria provided, single submitter. Criteria: CeGaT Center For Human Genetics Tuebingen Variant Classification Criteria Version 2. Collection method: clinical testing. Allele origin: germline. Affected: yes. Observed: 1 variant allele.
Comment: DST: BP4, BP7

NM_001723.7(DST):c.4581A>G (p.Ser1527=)

Gene: DST (dystonin; minus strand). Cytogenetic location: 6p12.1.
Variant type: single nucleotide variant.
Coding change: c.4581A>G on transcript NM_001723.7 (MANE Plus Clinical); coding-DNA position 4581, A replaced by G.
Protein change: p.Ser1527=; no amino-acid change (serine 1527 retained).
Molecular consequence: synonymous variant. On other transcripts: intron variant (10).
Genome position (GRCh38, 1-based): chr6:56,619,453, T>C on the plus strand (A>G on the coding strand, the complement: DST is on the minus strand). VCF-style: chr6-56619453-T-C. GRCh37 (hg19) VCF-style: chr6-56484251-T-C.
Other names: c.4930-4969A>G (NM_001374722.1, NM_001374736.1); c.4957-4969A>G (NM_001374734.1); c.4417-4969A>G (NM_001144770.2); c.4297-4969A>G (NM_001374730.1, NM_001386100.1, NM_183380.4 and 1 more transcripts); c.3319-4969A>G (NM_015548.5); c.4831-4969A>G (NM_001144769.5).
Identifiers: ClinVar variation 4085605 (VCV004085605.8).
Genomic context (GRCh38, chr6:56,619,453, plus strand): 5'-AGCTTTGATATTTTGAAGCAACTGCTCATGGCTTTTCTCAAATTGTTCTTTTAGATGATC[T>C]GATTTTCTCTGGCAGATTTGTAGTCTTTCTAATTCTTTCTCATCTCGAAAAGAATGAATT-3'
Protein context (NP_001714.1, residues 1517-1537): LERLQICQRK[Ser1527=]DHLKEQFEKS